The following is an entry in ClinVar:

NM_175875.5(SIX5):c.1967TGT[1] (p.Leu657del)

Gene: SIX5 (SIX homeobox 5; minus strand). Cytogenetic location: 19q13.32.
Variant type: Microsatellite.
Coding change: c.1967TGT[1] on transcript NM_175875.5 (MANE Select); one copy of the 3-base unit TGT starting at c.1967; the reference has two copies in a row; one copy, 3 bases deleted.
Protein change: p.Leu657del; deletes leucine 657.
Molecular consequence: inframe deletion.
Genome position (GRCh38, 1-based): chr19:45,765,749-45,765,751, ACA deleted on the plus strand (TGT on the coding strand, the reverse complement: SIX5 is on the minus strand); deleting any 3 consecutive bases within chr19:45,765,749-45,765,754 gives the same sequence; the position shown is the placement nearest the transcript's 3' end. VCF-style (leftmost placement, unchanged base first): chr19-45765748-GACA-G. GRCh37 (hg19) VCF-style: chr19-46269006-GACA-G.
Other names: short protein forms L657del.
Identifiers: ClinVar variation 2956321 (VCV002956321.4), dbSNP rs768267872, ClinGen allele CA9520454.

ClinVar aggregate classification (germline): Uncertain significance. Review status: criteria provided, multiple submitters, no conflicts (2 of 4 stars). 2 submissions from 2 submitters: Uncertain significance (2). Last evaluated 2024-10-03.

Submissions (2):

Blueprint Genetics
Classification: Uncertain significance. Last evaluated: 2024-10-03. Review status: criteria provided, single submitter. Criteria: ACMG Guidelines, 2015. Collection method: clinical testing. Allele origin: germline.

Labcorp Genetics (formerly Invitae), Labcorp
Classification: Uncertain significance. Last evaluated: 2024-09-03. Review status: criteria provided, single submitter. Criteria: Invitae Variant Classification Sherloc (09022015). Collection method: clinical testing. Allele origin: germline.
Comment: This variant, c.1970_1972del, results in the deletion of 1 amino acid(s) of the SIX5 protein (p.Leu657del), but otherwise preserves the integrity of the reading frame. This variant is present in population databases (rs768267872, gnomAD 0.003%). This variant has not been reported in the literature in individuals affected with SIX5-related conditions. Experimental studies and prediction algorithms are not available or were not evaluated, and the functional significance of this variant is currently unknown. In summary, the available evidence is currently insufficient to determine the role of this variant in disease. Therefore, it has been classified as a Variant of Uncertain Significance.